The following is an entry in ClinVar:

NM_000435.3(NOTCH3):c.2926G>A (p.Val976Ile)

Gene: NOTCH3 (notch receptor 3; minus strand). Cytogenetic location: 19p13.12.
Variant type: single nucleotide variant.
Coding change: c.2926G>A on transcript NM_000435.3 (MANE Select); coding-DNA position 2926, G replaced by A.
Protein change: p.Val976Ile; replaces valine 976 with isoleucine.
Molecular consequence: missense variant.
Genome position (GRCh38, 1-based): chr19:15,181,029, C>T on the plus strand (G>A on the coding strand, the complement: NOTCH3 is on the minus strand). VCF-style: chr19-15181029-C-T. GRCh37 (hg19) VCF-style: chr19-15291840-C-T.
Other names: c.2926G>A (NM_000435.2); short protein forms V976I.
Identifiers: ClinVar variation 1399458 (VCV001399458.7), dbSNP rs771899820, ClinGen allele CA9263238.

ClinVar aggregate classification (germline): Conflicting classifications of pathogenicity. Review status: criteria provided, conflicting classifications (1 of 4 stars). 3 submissions from 3 submitters: Uncertain significance (2); Likely benign (1). Last evaluated 2025-08-24.

Conditions:
Inborn genetic diseases. Identifiers: MedGen C0950123, MeSH D030342.

Allele frequency attached by ClinVar (database versions not stated): 1000 Genomes Project 30x 0.00016.

Submissions (3):

Ambry Genetics
Classification: Uncertain significance for Inborn genetic diseases. Last evaluated: 2025-08-24. Review status: criteria provided, single submitter. Criteria: Ambry Variant Classification Scheme 2023. Collection method: clinical testing. Allele origin: germline.

Labcorp Genetics (formerly Invitae), Labcorp
Classification: Likely benign. Last evaluated: 2025-01-06. Review status: criteria provided, single submitter. Criteria: Invitae Variant Classification Sherloc (09022015). Collection method: clinical testing. Allele origin: germline.

Women's Health and Genetics/Laboratory Corporation of America, LabCorp
Classification: Uncertain significance. Last evaluated: 2023-10-10. Review status: criteria provided, single submitter. Criteria: LabCorp Variant Classification Summary - May 2015. Collection method: clinical testing. Allele origin: germline.
Comment: Variant summary: NOTCH3 c.2926G>A (p.Val976Ile) results in a conservative amino acid change located in the EGF-like domain (IPR000742) of the encoded protein sequence. Five of five in-silico tools predict a benign effect of the variant on protein function. The variant allele was found at a frequency of 1.8e-05 in 221758 control chromosomes (gnomAD). The available data on variant occurrences in the general population are insufficient to allow any conclusion about variant significance. To our knowledge, no occurrence of c.2926G>A in individuals affected with NOTCH3-Related Disorders and no experimental evidence demonstrating its impact on protein function have been reported. One submitter has cited clinical-significance assessments for this variant to ClinVar after 2014 and has classified the variant as uncertain significance. Based on the evidence outlined above, the variant was classified as uncertain significance.